The following is an entry in ClinVar:

ClinVar aggregate classification (germline): Pathogenic (1 of 4 stars; one submission).

Submission:

Labcorp Genetics (formerly Invitae), Labcorp
Classification: Pathogenic. Last evaluated: 2024-01-10. Review status: criteria provided, single submitter. Criteria: Invitae Variant Classification Sherloc (09022015). Collection method: clinical testing. Allele origin: germline.
Comment: This sequence change replaces glycine, which is neutral and non-polar, with valine, which is neutral and non-polar, at codon 784 of the COL4A5 protein (p.Gly784Val). This variant is not present in population databases (gnomAD no frequency). This missense change has been observed in individuals with clinical features of Alport syndrome (PMID: 30968591; Invitae). Advanced modeling of protein sequence and biophysical properties (such as structural, functional, and spatial information, amino acid conservation, physicochemical variation, residue mobility, and thermodynamic stability) performed at Invitae indicates that this missense variant is expected to disrupt COL4A5 protein function with a positive predictive value of 95%. This variant disrupts the triple helix domain of COL4A5. Glycine residues within the Gly-Xaa-Yaa repeats of the triple helix domain are required for the structure and stability of fibrillar collagens (PMID: 7695699, 8218237, 19344236). In COL4A5, missense variants at these glycine residues are significantly enriched in individuals with disease (PMID: 23720012, 27627812) compared to the general population (ExAC). For these reasons, this variant has been classified as Pathogenic.

Literature cited by the submitters: PubMed 30968591; PubMed 7695699; PubMed 8218237; PubMed 19344236; PubMed 23720012; PubMed 27627812.

NM_033380.3(COL4A5):c.2351G>T (p.Gly784Val)

Gene: COL4A5 (collagen type IV alpha 5 chain; plus strand). Cytogenetic location: Xq22.3.
Variant type: single nucleotide variant.
Coding change: c.2351G>T on transcript NM_033380.3 (MANE Select); coding-DNA position 2351, G replaced by T.
Protein change: p.Gly784Val; replaces glycine 784 with valine.
Molecular consequence: missense variant.
Genome position (GRCh38, 1-based): chrX:108,606,848, G>T. VCF-style: chrX-108606848-G-T. GRCh37 (hg19) VCF-style: chrX-107850078-G-T.
Other names: c.2351G>T, p.Gly784Val (NM_000495.5); short protein forms G784V.
Identifiers: ClinVar variation 2907593 (VCV002907593.3), dbSNP rs2524347107, ClinGen allele CA413849114.
Genomic context (GRCh38, chrX:108,606,848, plus strand): 5'-TTCCAGGTTTCAAAGGAGCACTTGGTCCAAAAGGTGATCGTGGTTTCCCAGGACCTCCGG[G>T]TCCTCCAGGACGCACTGGCTTAGATGGGCTCCCTGGACCAAAAGGTATGGAGGCTGTCAC-3'
Protein context (NP_203699.1, residues 774-794): KGDRGFPGPP[Gly784Val]PPGRTGLDGL